The following is an entry in ClinVar:

NM_030954.4(RNF170):c.566T>G (p.Phe189Cys)

Gene: RNF170 (ring finger protein 170; minus strand). Cytogenetic location: 8p11.21.
Variant type: single nucleotide variant.
Coding change: c.566T>G on transcript NM_030954.4 (MANE Select); coding-DNA position 566, T replaced by G.
Protein change: p.Phe189Cys; replaces phenylalanine 189 with cysteine.
Molecular consequence: missense variant. On other transcripts: non-coding transcript variant (2), intron variant (1).
Genome position (GRCh38, 1-based): chr8:42,856,370, A>C on the plus strand (T>G on the coding strand, the complement: RNF170 is on the minus strand). VCF-style: chr8-42856370-A-C. GRCh37 (hg19) VCF-style: chr8-42711513-A-C.
Other names: c.566T>G, p.Phe189Cys (NM_001160223.2); c.314T>G, p.Phe105Cys (NM_001160225.2); c.397-5373T>G (NM_001160224.2); short protein forms F105C, F189C.
Identifiers: ClinVar variation 932477 (VCV000932477.44), dbSNP rs1803244738, ClinGen allele CA371111333.

ClinVar aggregate classification (germline): Conflicting classifications of pathogenicity. Review status: criteria provided, conflicting classifications (1 of 4 stars). 3 submissions from 3 submitters: Likely pathogenic (1); Uncertain significance (2). Last evaluated 2025-10-19.

Conditions:
Autosomal dominant sensory ataxia 1. Identifiers: MedGen C1837015, MONDO:0012166, OMIM 608984.

Allele frequency attached by ClinVar (database versions not stated): gnomAD exomes 0.00001.

Submissions (3):

Dasa
Classification: Uncertain significance. Last evaluated: 2025-10-19. Review status: criteria provided, single submitter. Criteria: DASA Assertion Criteria. Collection method: clinical testing. Allele origin: germline.
Comment: NM_030954.4(RNF170):c.566T>G (p.Phe189Cys) is a missense variant that results in the substitution of phenylalanine with cysteine. This variant is rare in population databases. Computational prediction algorithms are consistent with a deleterious effect. The currently available literature and clinical evidence are not sufficient to establish a definitive association between this variant and the reported condition. Therefore, this variant is classified as a variant of uncertain significance.

Molecular Medicine for Neurodegenerative and Neuromuscular Diseases Unit, IRCCS Fondazione Stella Maris
Classification: Likely pathogenic for Autosomal dominant sensory ataxia 1. Last evaluated: 2021-07-12. Review status: criteria provided, single submitter. Criteria: ACMG Guidelines, 2015. Collection method: research. Allele origin: unknown. Affected: yes.

CeGaT Center for Human Genetics Tuebingen
Classification: Uncertain significance. Last evaluated: 2020-05-01. Review status: criteria provided, single submitter. Criteria: CeGaT Center For Human Genetics Tuebingen Variant Classification Criteria Version 2. Collection method: clinical testing. Allele origin: germline. Affected: yes. Observed: 1 variant allele.